The following is an entry in ClinVar:

NM_000553.6(WRN):c.3631A>G (p.Met1211Val)

Gene: WRN (WRN RecQ like helicase; plus strand). Cytogenetic location: 8p12.
Variant type: single nucleotide variant.
Coding change: c.3631A>G on transcript NM_000553.6 (MANE Select); coding-DNA position 3631, A replaced by G.
Protein change: p.Met1211Val; replaces methionine 1211 with valine.
Molecular consequence: missense variant.
Genome position (GRCh38, 1-based): chr8:31,150,399, A>G. VCF-style: chr8-31150399-A-G. GRCh37 (hg19) VCF-style: chr8-31007915-A-G.
Other names: short protein forms M1211V.
Identifiers: ClinVar variation 528163 (VCV000528163.4), dbSNP rs769665112, ClinGen allele CA4705137.

ClinVar aggregate classification (germline): Uncertain significance (1 of 4 stars; one submission).

Conditions:
Werner syndrome (WRN). Identifiers: Orphanet 902, MedGen C0043119, MONDO:0010196, OMIM 277700.

Allele frequency attached by ClinVar (database versions not stated): gnomAD exomes below 0.00001 and 0.00001; ExAC 0.00002.

Submission:

Labcorp Genetics (formerly Invitae), Labcorp
Classification: Uncertain significance for Werner syndrome. Last evaluated: 2023-04-26. Review status: criteria provided, single submitter. Criteria: Invitae Variant Classification Sherloc (09022015). Collection method: clinical testing. Allele origin: germline.
Comment: This variant has not been reported in the literature in individuals affected with WRN-related conditions. In summary, the available evidence is currently insufficient to determine the role of this variant in disease. Therefore, it has been classified as a Variant of Uncertain Significance. Algorithms developed to predict the effect of missense changes on protein structure and function output the following: SIFT: "Not Available"; PolyPhen-2: "Benign"; Align-GVGD: "Not Available". The valine amino acid residue is found in multiple mammalian species, which suggests that this missense change does not adversely affect protein function. ClinVar contains an entry for this variant (Variation ID: 528163). This variant is present in population databases (rs769665112, gnomAD 0.003%). This sequence change replaces methionine, which is neutral and non-polar, with valine, which is neutral and non-polar, at codon 1211 of the WRN protein (p.Met1211Val).